The following is an entry in ClinVar:

NM_005477.3(HCN4):c.541C>G (p.Gln181Glu)

Gene: HCN4 (hyperpolarization activated cyclic nucleotide gated potassium channel 4; minus strand). Cytogenetic location: 15q24.1.
Variant type: single nucleotide variant.
Coding change: c.541C>G on transcript NM_005477.3 (MANE Select); coding-DNA position 541, C replaced by G.
Protein change: p.Gln181Glu; replaces glutamine 181 with glutamic acid.
Molecular consequence: missense variant.
Genome position (GRCh38, 1-based): chr15:73,367,730, G>C on the plus strand (C>G on the coding strand, the complement: HCN4 is on the minus strand). VCF-style: chr15-73367730-G-C. GRCh37 (hg19) VCF-style: chr15-73660071-G-C.
Other names: short protein forms Q181E.
Identifiers: ClinVar variation 1366507 (VCV001366507.6), dbSNP rs2151228471, ClinGen allele CA393097698.

ClinVar aggregate classification (germline): Uncertain significance (1 of 4 stars; one submission).

Conditions:
Brugada syndrome 8 (BRGDA8). Identifiers: Orphanet 130, MedGen C2751083, MONDO:0013148, OMIM 613123.

Submission:

Labcorp Genetics (formerly Invitae), Labcorp
Classification: Uncertain significance for Brugada syndrome 8. Last evaluated: 2022-03-08. Review status: criteria provided, single submitter. Criteria: Invitae Variant Classification Sherloc (09022015). Collection method: clinical testing. Allele origin: germline.
Comment: In summary, the available evidence is currently insufficient to determine the role of this variant in disease. Therefore, it has been classified as a Variant of Uncertain Significance. This variant is not present in population databases (gnomAD no frequency). This sequence change replaces glutamine, which is neutral and polar, with glutamic acid, which is acidic and polar, at codon 181 of the HCN4 protein (p.Gln181Glu). This variant has not been reported in the literature in individuals affected with HCN4-related conditions. Advanced modeling of protein sequence and biophysical properties (such as structural, functional, and spatial information, amino acid conservation, physicochemical variation, residue mobility, and thermodynamic stability) performed at Invitae indicates that this missense variant is not expected to disrupt HCN4 protein function.